The following is an entry in ClinVar:

ClinVar aggregate classification (germline): Uncertain significance (1 of 4 stars; one submission).

Conditions:
Werner syndrome (WRN). Identifiers: Orphanet 902, MedGen C0043119, MONDO:0010196, OMIM 277700.

Allele frequency attached by ClinVar (database versions not stated): TOPMed below 0.00001; gnomAD 0.00001.
gnomAD v4.1: 1 of 1,613,306 alleles (0.000062%); highest among the groups gnomAD compares: African/African-American, 0.0013%; no homozygotes.

Submission:

Labcorp Genetics (formerly Invitae), Labcorp
Classification: Uncertain significance for Werner syndrome. Last evaluated: 2023-05-23. Review status: criteria provided, single submitter. Criteria: Invitae Variant Classification Sherloc (09022015). Collection method: clinical testing. Allele origin: germline.
Comment: In summary, the available evidence is currently insufficient to determine the role of this variant in disease. Therefore, it has been classified as a Variant of Uncertain Significance. Algorithms developed to predict the effect of missense changes on protein structure and function output the following: SIFT: "Not Available"; PolyPhen-2: "Benign"; Align-GVGD: "Not Available". The serine amino acid residue is found in multiple mammalian species, which suggests that this missense change does not adversely affect protein function. ClinVar contains an entry for this variant (Variation ID: 971557). This variant has not been reported in the literature in individuals affected with WRN-related conditions. This variant is not present in population databases (gnomAD no frequency). This sequence change replaces glycine, which is neutral and non-polar, with serine, which is neutral and polar, at codon 485 of the WRN protein (p.Gly485Ser).

NM_000553.6(WRN):c.1453G>A (p.Gly485Ser)

Gene: WRN (WRN RecQ like helicase; plus strand). Cytogenetic location: 8p12.
Variant type: single nucleotide variant.
Coding change: c.1453G>A on transcript NM_000553.6 (MANE Select); coding-DNA position 1453, G replaced by A.
Protein change: p.Gly485Ser; replaces glycine 485 with serine.
Molecular consequence: missense variant.
Genome position (GRCh38, 1-based): chr8:31,087,797, G>A. VCF-style: chr8-31087797-G-A. GRCh37 (hg19) VCF-style: chr8-30945313-G-A.
Other names: short protein forms G485S.
Identifiers: ClinVar variation 971557 (VCV000971557.7), dbSNP rs1191046615, ClinGen allele CA370924273.
Genomic context (GRCh38, chr8:31,087,797, plus strand): 5'-TCAGTGGTTTTGCTTTTAAGATTTCTTTTAAACTTTCAGTCTTTAGAAAACCTCAATAGT[G>A]GCACGGTAGAACCAACTCATTCTAAATGCTTAAAAATGGAAAGAAATCTGGGTCTTCCTA-3'
Protein context (NP_000544.2, residues 475-495): MLKSLENLNS[Gly485Ser]TVEPTHSKCL